The following is an entry in ClinVar:

ClinVar aggregate classification (germline): Pathogenic (0 of 4 stars; one submission).

Conditions:
Combined immunodeficiency due to LRBA deficiency. Also called: Common variable immunodeficiency 8, with autoimmunity. Identifiers: Orphanet 445018, MedGen C3553512, MONDO:0013863, OMIM 614700.

Submission:

National Institute of Immunohaematology, Indian Council of Medical Research
Classification: Pathogenic for Combined immunodeficiency due to LRBA deficiency. Review status: no assertion criteria provided. Collection method: research. Allele origin: germline. Inheritance: Autosomal recessive inheritance. Affected: yes. Observed: 1 homozygote.
Comment: The Phe333LeufsTer29 variant has not been reported in the 1000 Genomes Project and exhibits a minor allele frequency of 0.0004% in the gnomAD database. The reference region is highly conserved across species, and in silico predictions classify this variant as deleterious. The involvement of the LRBA gene in the pathophysiology of Evans syndrome is well-documented (PMID: 30349415, 30940614). Flow cytometry analysis of LRBA protein expression associated with this variant revealed significantly reduced levels compared to healthy controls.

Literature cited by the submitters: PubMed 22608502.

NM_001364905.1(LRBA):c.999del (p.Phe333fs)

Gene: LRBA (LPS responsive beige-like anchor protein; minus strand). Cytogenetic location: 4q31.3.
Variant type: Deletion.
Coding change: c.999del on transcript NM_001364905.1 (MANE Select); coding-DNA position 999, one base deleted (T; older notation c.999delT).
Protein change: p.Phe333fs; shifts the reading frame from phenylalanine 333.
Molecular consequence: frameshift variant.
Genome position (GRCh38, 1-based): chr4:150,915,623, A deleted on the plus strand (T on the coding strand, the reverse complement: LRBA is on the minus strand); the first of 3 consecutive A bases (chr4:150,915,623-150,915,625); deleting any one gives the same sequence. VCF-style (leftmost placement, unchanged base first): chr4-150915622-CA-C. GRCh37 (hg19) VCF-style: chr4-151836774-CA-C.
Other names: c.997delT, p.Phe333Leufs (NM_001199282.3, NM_006726.5); c.999del, p.Phe333fs (NM_001367550.1); short protein forms F333fs.
Identifiers: ClinVar variation 3384672 (VCV003384672.2).